The following is an entry in ClinVar:

NM_152296.5(ATP1A3):c.1050C>A (p.Asn350Lys)

Gene: ATP1A3 (ATPase Na+/K+ transporting subunit alpha 3; minus strand). Cytogenetic location: 19q13.2.
Variant type: single nucleotide variant.
Coding change: c.1050C>A on transcript NM_152296.5 (MANE Select); coding-DNA position 1050, C replaced by A.
Protein change: p.Asn350Lys; replaces asparagine 350 with lysine.
Molecular consequence: missense variant.
Genome position (GRCh38, 1-based): chr19:41,982,050, G>T on the plus strand (C>A on the coding strand, the complement: ATP1A3 is on the minus strand). VCF-style: chr19-41982050-G-T. GRCh37 (hg19) VCF-style: chr19-42486202-G-T.
Other names: c.1083C>A, p.Asn361Lys (NM_001256213.2); c.1089C>A, p.Asn363Lys (NM_001256214.2); short protein forms N350K, N361K, N363K.
Identifiers: ClinVar variation 2099160 (VCV002099160.4), dbSNP rs2075237945, ClinGen allele CA406051449.
Genomic context (GRCh38, chr19:41,982,050, plus strand): 5'-GGTCCCTGTCTTATCTGAGCAGATGGTGGACGTGGAGCCCAGGGTTTCTACAGCCTCCAG[G>T]TTCTTCACCAGGCAGTTCTTCCGGGCCATGCGCTTGGCGGTCAGCGTCAGACACACCTGG-3'
Protein context (NP_689509.1, residues 340-360): RMARKNCLVK[Asn350Lys]LEAVETLGST

ClinVar aggregate classification (germline): Uncertain significance (1 of 4 stars; one submission).

Conditions:
Dystonia 12 (DYT12). Also called: DYT-ATP1A3; Rapid-Onset Dystonia-Parkinsonism (RDP). Identifiers: Orphanet 71517, MedGen C1868681, MONDO:0007496, OMIM 128235.

Submission:

Labcorp Genetics (formerly Invitae), Labcorp
Classification: Uncertain significance for Dystonia 12. Last evaluated: 2023-10-13. Review status: criteria provided, single submitter. Criteria: Invitae Variant Classification Sherloc (09022015). Collection method: clinical testing. Allele origin: germline.
Comment: This sequence change replaces asparagine, which is neutral and polar, with lysine, which is basic and polar, at codon 350 of the ATP1A3 protein (p.Asn350Lys). This variant is not present in population databases (gnomAD no frequency). This missense change has been observed in individual(s) with ATP1A3-related conditions (PMID: 32895939). In at least one individual the variant was observed to be de novo. ClinVar contains an entry for this variant (Variation ID: 2099160). Advanced modeling of protein sequence and biophysical properties (such as structural, functional, and spatial information, amino acid conservation, physicochemical variation, residue mobility, and thermodynamic stability) has been performed at Invitae for this missense variant, however the output from this modeling did not meet the statistical confidence thresholds required to predict the impact of this variant on ATP1A3 protein function. In summary, the available evidence is currently insufficient to determine the role of this variant in disease. Therefore, it has been classified as a Variant of Uncertain Significance.

Literature cited by the submitters: PubMed 32895939.